The following is an entry in ClinVar:

ClinVar aggregate classification (germline): Uncertain significance. Review status: criteria provided, multiple submitters, no conflicts (2 of 4 stars). 2 submissions from 2 submitters: Uncertain significance (2). Last evaluated 2025-09-01.

Allele frequency attached by ClinVar (database versions not stated): gnomAD exomes 0.00001; ExAC 0.00002; TOPMed 0.00002; gnomAD 0.00003; ESP Exome Variant Server 0.00008.
gnomAD v4.1: 9 of 1,612,038 alleles (0.00056%); highest among the groups gnomAD compares: African/African-American, 0.008%; no homozygotes.

Submissions (2):

Ambry Genetics
Classification: Uncertain significance. Last evaluated: 2025-09-01. Review status: criteria provided, single submitter. Criteria: Ambry Variant Classification Scheme 2023. Collection method: clinical testing. Allele origin: germline.

Labcorp Genetics (formerly Invitae), Labcorp
Classification: Uncertain significance. Last evaluated: 2023-10-04. Review status: criteria provided, single submitter. Criteria: Invitae Variant Classification Sherloc (09022015). Collection method: clinical testing. Allele origin: germline.
Comment: This sequence change replaces arginine, which is basic and polar, with cysteine, which is neutral and slightly polar, at codon 183 of the REPS1 protein (p.Arg183Cys). This variant is present in population databases (rs147782366, gnomAD 0.02%). This variant has not been reported in the literature in individuals affected with REPS1-related conditions. Advanced modeling of protein sequence and biophysical properties (such as structural, functional, and spatial information, amino acid conservation, physicochemical variation, residue mobility, and thermodynamic stability) performed at Invitae indicates that this missense variant is not expected to disrupt REPS1 protein function. In summary, the available evidence is currently insufficient to determine the role of this variant in disease. Therefore, it has been classified as a Variant of Uncertain Significance.

NM_001286611.2(REPS1):c.547C>T (p.Arg183Cys)

Gene: REPS1 (RALBP1 associated Eps domain containing 1; minus strand). Cytogenetic location: 6q24.1.
Variant type: single nucleotide variant.
Coding change: c.547C>T on transcript NM_001286611.2 (MANE Select); coding-DNA position 547, C replaced by T.
Protein change: p.Arg183Cys; replaces arginine 183 with cysteine.
Molecular consequence: missense variant.
Genome position (GRCh38, 1-based): chr6:138,945,300, G>A on the plus strand (C>T on the coding strand, the complement: REPS1 is on the minus strand). VCF-style: chr6-138945300-G-A. GRCh37 (hg19) VCF-style: chr6-139266437-G-A.
Other names: c.547C>T (NM_031922.3); c.547C>T, p.Arg183Cys (NM_001128617.3, NM_001286612.2, NM_031922.5); short protein forms R183C.
Identifiers: ClinVar variation 2993671 (VCV002993671.4), dbSNP rs147782366, ClinGen allele CA4024430.